The following is an entry in ClinVar:

ClinVar aggregate classification (germline): Uncertain significance (1 of 4 stars; one submission).

Conditions:
Inborn genetic diseases. Identifiers: MedGen C0950123, MeSH D030342.

Submission:

Ambry Genetics
Classification: Uncertain significance for Inborn genetic diseases. Last evaluated: 2024-10-24. Review status: criteria provided, single submitter. Criteria: Ambry Variant Classification Scheme 2023. Collection method: clinical testing. Allele origin: germline.
Comment: The p.I2387V variant (also known as c.7159A>G), located in coding exon 48 of the LRRK2 gene, results from an A to G substitution at nucleotide position 7159. The isoleucine at codon 2387 is replaced by valine, an amino acid with highly similar properties. This amino acid position is conserved. In addition, this alteration is predicted to be tolerated by in silico analysis. Based on the available evidence, the clinical significance of this variant remains unclear.

NM_198578.4(LRRK2):c.7159A>G (p.Ile2387Val)

Gene: LRRK2 (leucine rich repeat kinase 2; plus strand). Cytogenetic location: 12q12.
Variant type: single nucleotide variant.
Coding change: c.7159A>G on transcript NM_198578.4 (MANE Select); coding-DNA position 7159, A replaced by G.
Protein change: p.Ile2387Val; replaces isoleucine 2387 with valine.
Molecular consequence: missense variant.
Genome position (GRCh38, 1-based): chr12:40,363,532, A>G. VCF-style: chr12-40363532-A-G. GRCh37 (hg19) VCF-style: chr12-40757334-A-G.
Other names: short protein forms I2387V.
Identifiers: ClinVar variation 3540748 (VCV003540748.1).